The following is an entry in ClinVar:

NM_000492.4(CFTR):c.2988+1186_2988+1194del

Genes: CFTR (CF transmembrane conductance regulator; plus strand), CFTR-AS2 (CFTR antisense RNA 2; minus strand), LOC111674472 (DNase I hypersensitive sites in introns 16 and 17a of CFTR; plus strand). Cytogenetic location: 7q31.2.
Variant type: Deletion.
Coding change: c.2988+1186_2988+1194del on transcript NM_000492.4 (MANE Select); bases 1186 to 1194 of the intron after coding-DNA position 2988, 9 bases deleted (ATGCTGACA; older notation c.2988+1186_2988+1194delATGCTGACA).
Molecular consequence: intron variant.
Genome position (GRCh38, 1-based): chr7:117,607,939-117,607,947, ATGCTGACA deleted; deleting any 9 consecutive bases within chr7:117,607,938-117,607,947 gives the same sequence; the c. name uses the placement nearest the transcript's 3' end. VCF-style (leftmost placement, unchanged base first): chr7-117607937-AAATGCTGAC-A. GRCh37 (hg19) VCF-style: chr7-117247991-AAATGCTGAC-A.
Other names: c.2988+1186_2988+1194delATGCTGACA (NM_000492.3).
Identifiers: ClinVar variation 495921 (VCV000495921.4), dbSNP rs534559351, ClinGen allele CA164963464.

ClinVar aggregate classification (germline): Likely benign (1 of 4 stars; one submission).

Submission:

Women's Health and Genetics/Laboratory Corporation of America, LabCorp
Classification: Likely benign. Last evaluated: 2022-10-10. Review status: criteria provided, single submitter. Criteria: LabCorp Variant Classification Summary - May 2015. Collection method: clinical testing. Allele origin: germline.
Comment: Variant summary: CFTR c.2988+1186_2988+1194delATGCTGACA is located at a position not widely known to affect splicing. 4/4 computational tools predict no significant impact on normal splicing. However, these predictions have yet to be confirmed by functional studies. The variant allele was found at a frequency of 0.00053 in 150974 control chromosomes, predominantly at a frequency of 0.013 within the South Asian subpopulation in the gnomAD v3.1.2 database, including 2 homozygotes. This frequency is approximately equal to the estimated maximal expected allele frequency for a pathogenic variant in CFTR causing Cystic Fibrosis (0.013), suggesting that the variant is a benign polymorphism found primarily in populations of South Asian origin. To our knowledge, no occurrence of c.2988+1186_2988+1194delATGCTGACA in individuals affected with Cystic Fibrosis and no experimental evidence demonstrating its impact on protein function have been reported. No clinical diagnostic laboratories have submitted clinical-significance assessments for this variant to ClinVar after 2014. Based on the evidence outlined above, the variant was classified as likely benign.